The following is an entry in ClinVar:

NM_198407.2(GHSR):c.278T>G (p.Phe93Cys)

Gene: GHSR (growth hormone secretagogue receptor; minus strand). Cytogenetic location: 3q26.31.
Variant type: single nucleotide variant.
Coding change: c.278T>G on transcript NM_198407.2 (MANE Select); coding-DNA position 278, T replaced by G.
Protein change: p.Phe93Cys; replaces phenylalanine 93 with cysteine.
Molecular consequence: missense variant.
Genome position (GRCh38, 1-based): chr3:172,448,136, A>C on the plus strand (T>G on the coding strand, the complement: GHSR is on the minus strand). VCF-style: chr3-172448136-A-C. GRCh37 (hg19) VCF-style: chr3-172165926-A-C.
Other names: c.278T>G, p.Phe93Cys (NM_004122.2); short protein forms F93C.
Identifiers: ClinVar variation 2850287 (VCV002850287.3), dbSNP rs757070976, ClinGen allele CA2706496.

ClinVar aggregate classification (germline): Uncertain significance (1 of 4 stars; one submission).

Allele frequency attached by ClinVar (database versions not stated): TOPMed below 0.00001; ExAC 0.00001; gnomAD 0.00001; gnomAD exomes 0.00003.
gnomAD v4.1: 37 of 1,614,064 alleles (0.0023%); highest among the groups gnomAD compares: Non-Finnish European, 0.0031%; no homozygotes.

Submission:

Labcorp Genetics (formerly Invitae), Labcorp
Classification: Uncertain significance. Last evaluated: 2023-03-27. Review status: criteria provided, single submitter. Criteria: Invitae Variant Classification Sherloc (09022015). Collection method: clinical testing. Allele origin: germline.
Comment: In summary, the available evidence is currently insufficient to determine the role of this variant in disease. Therefore, it has been classified as a Variant of Uncertain Significance. Advanced modeling of protein sequence and biophysical properties (such as structural, functional, and spatial information, amino acid conservation, physicochemical variation, residue mobility, and thermodynamic stability) performed at Invitae indicates that this missense variant is expected to disrupt GHSR protein function. This variant has not been reported in the literature in individuals affected with GHSR-related conditions. This variant is present in population databases (rs757070976, gnomAD 0.002%). This sequence change replaces phenylalanine, which is neutral and non-polar, with cysteine, which is neutral and slightly polar, at codon 93 of the GHSR protein (p.Phe93Cys).